The following is an entry in ClinVar:

ClinVar aggregate classification (germline): Uncertain significance (1 of 4 stars; one submission).

Allele frequency attached by ClinVar (database versions not stated): TOPMed below 0.00001.

Submission:

Labcorp Genetics (formerly Invitae), Labcorp
Classification: Uncertain significance. Last evaluated: 2022-10-30. Review status: criteria provided, single submitter. Criteria: Invitae Variant Classification Sherloc (09022015). Collection method: clinical testing. Allele origin: germline.
Comment: In summary, the available evidence is currently insufficient to determine the role of this variant in disease. Therefore, it has been classified as a Variant of Uncertain Significance. Variants that disrupt the consensus splice site are a relatively common cause of aberrant splicing (PMID: 17576681, 9536098). Algorithms developed to predict the effect of sequence changes on RNA splicing suggest that this variant may disrupt the consensus splice site. This variant has not been reported in the literature in individuals affected with ANKRD26-related conditions. This variant is not present in population databases (gnomAD no frequency). This sequence change falls in intron 25 of the ANKRD26 gene. It does not directly change the encoded amino acid sequence of the ANKRD26 protein. It affects a nucleotide within the consensus splice site.

Literature cited by the submitters: PubMed 17576681; PubMed 9536098.

NM_014915.3(ANKRD26):c.3807+6T>G

Gene: ANKRD26 (ankyrin repeat domain 26; minus strand). Cytogenetic location: 10p12.1.
Variant type: single nucleotide variant.
Coding change: c.3807+6T>G on transcript NM_014915.3 (MANE Select); 6 bases into the intron after coding-DNA position 3807, T replaced by G.
Molecular consequence: intron variant.
Genome position (GRCh38, 1-based): chr10:27,033,219, A>C on the plus strand (T>G on the coding strand, the complement: ANKRD26 is on the minus strand). VCF-style: chr10-27033219-A-C. GRCh37 (hg19) VCF-style: chr10-27322148-A-C.
Other names: c.3804+6T>G (NM_001256053.2).
Identifiers: ClinVar variation 2810739 (VCV002810739.3), dbSNP rs2053935934, ClinGen allele CA2721266636.